The following is an entry in ClinVar:

NM_004982.4(KCNJ8):c.802T>C (p.Cys268Arg)

Genes: KCNJ8 (potassium inwardly rectifying channel subfamily J member 8; minus strand), KCNJ8-AS1 (KCNJ8 antisense RNA 1; plus strand). Cytogenetic location: 12p12.1.
Variant type: single nucleotide variant.
Coding change: c.802T>C on transcript NM_004982.4 (MANE Select); coding-DNA position 802, T replaced by C.
Protein change: p.Cys268Arg; replaces cysteine 268 with arginine.
Molecular consequence: missense variant.
Genome position (GRCh38, 1-based): chr12:21,766,196, A>G on the plus strand (T>C on the coding strand, the complement: KCNJ8 is on the minus strand). VCF-style: chr12-21766196-A-G. GRCh37 (hg19) VCF-style: chr12-21919130-A-G.
Identifiers: ClinVar variation 1761738 (VCV001761738.2), dbSNP rs2540720755, ClinGen allele CA384124167.

ClinVar aggregate classification (germline): Uncertain significance (1 of 4 stars; one submission).

Conditions:
Cardiovascular phenotype. Identifiers: MedGen CN230736.

Submission:

Ambry Genetics
Classification: Uncertain significance for Cardiovascular phenotype. Last evaluated: 2022-02-16. Review status: criteria provided, single submitter. Criteria: Ambry Variant Classification Scheme 2023. Collection method: clinical testing. Allele origin: germline.
Comment: The p.C268R variant (also known as c.802T>C), located in coding exon 2 of the KCNJ8 gene, results from a T to C substitution at nucleotide position 802. The cysteine at codon 268 is replaced by arginine, an amino acid with highly dissimilar properties. This amino acid position is conserved. In addition, this alteration is predicted to be deleterious by in silico analysis. Since supporting evidence is limited at this time, the clinical significance of this alteration remains unclear.